The following is an entry in ClinVar:

NM_025074.7(FRAS1):c.1887dup (p.Lys630fs)

Gene: FRAS1 (Fraser extracellular matrix complex subunit 1; plus strand). Cytogenetic location: 4q21.21.
Variant type: Duplication.
Coding change: c.1887dup on transcript NM_025074.7 (MANE Select); coding-DNA position 1887, one base duplicated (C; older notation c.1887dupC).
Protein change: p.Lys630fs; shifts the reading frame from lysine 630.
Molecular consequence: frameshift variant.
Genome position (GRCh38, 1-based): chr4:78,317,435, C duplicated; the last of 7 consecutive C bases (chr4:78,317,429-78,317,435); duplicating any one gives the same sequence. VCF-style (leftmost placement, unchanged base first): chr4-78317428-G-GC. GRCh37 (hg19) VCF-style: chr4-79238582-G-GC.
Other names: c.1887dup, p.Lys630fs (NM_001166133.2); c.1887dupC (NM_025074.6); short protein forms K630fs.
Identifiers: ClinVar variation 2883847 (VCV002883847.8), dbSNP rs776570778, ClinGen allele CA2976466.

ClinVar aggregate classification (germline): Pathogenic/Likely pathogenic. Review status: criteria provided, multiple submitters, no conflicts (2 of 4 stars). 4 submissions from 4 submitters: Pathogenic (1); Likely pathogenic (3). Last evaluated 2026-01-09.

Conditions:
Fraser syndrome 1 (FRASRS1). Also called: CRYPTOPHTHALMOS WITH OTHER MALFORMATIONS. Identifiers: Orphanet 2052, MedGen C4551480, MONDO:0054737, OMIM 219000.
FRAS1-related disorder. Also called: FRAS1-related condition.

Submissions (4):

PreventionGenetics, part of Exact Sciences
Classification: Likely pathogenic for FRAS1-related condition. Last evaluated: 2026-01-09. Review status: criteria provided, single submitter. Criteria: ACMG Guidelines, 2015. Collection method: clinical testing. Allele origin: germline.
Comment: The FRAS1 c.1887dupC variant is predicted to result in a frameshift and premature protein termination (p.Lys630Glnfs*19). To our knowledge, this variant has not been reported in the literature. This variant is present in 0.0047% of alleles in individuals of European (Finnish) descent in gnomAD. Frameshift variants in FRAS1 are an established mechanism of disease. This variant is interpreted as likely pathogenic.

Labcorp Genetics (formerly Invitae), Labcorp
Classification: Pathogenic. Last evaluated: 2024-03-27. Review status: criteria provided, single submitter. Criteria: Invitae Variant Classification Sherloc (09022015). Collection method: clinical testing. Allele origin: germline.
Comment: This sequence change creates a premature translational stop signal (p.Lys630Glnfs*19) in the FRAS1 gene. It is expected to result in an absent or disrupted protein product. Loss-of-function variants in FRAS1 are known to be pathogenic (PMID: 12766769, 18671281). The frequency data for this variant in the population databases is considered unreliable, as metrics indicate poor data quality at this position in the gnomAD database. This variant has not been reported in the literature in individuals affected with FRAS1-related conditions. For these reasons, this variant has been classified as Pathogenic.

Fulgent Genetics
Classification: Likely pathogenic for Fraser syndrome 1. Last evaluated: 2023-12-21. Review status: criteria provided, single submitter. Criteria: ACMG Guidelines, 2015. Collection method: clinical testing. Allele origin: germline.

Genetic Services Laboratory, University of Chicago
Classification: Likely pathogenic. Last evaluated: 2023-09-07. Review status: criteria provided, single submitter. Criteria: ACMG Guidelines, 2015. Collection method: clinical testing. Allele origin: germline. Affected: yes.
Comment: DNA sequence analysis of the FRAS1 gene demonstrated a 1 base pair duplication in exon 17, c.1887dup. This sequence change is predicted to result in an amino acid frameshift and creates a premature stop codon 19 amino acids downstream of the change, p.Lys630Glnfs*19. While this duplication has not previously been described in the literature, other frameshift deletions/duplications in the FRAS1 gene have been described in several individuals with FRAS1-related disorders [PMID: 31999076, 32488952, 12766769, 16894541]. The c.1887dup sequence change has been described in the gnomAD database with a frequency of 0.0035% in the European (non-Finnish) subpopulation (dbSNP rs776570778). Collectively, this evidence indicates that this sequence change is likely pathogenic, however functional studies have not been performed to prove this conclusively.

Literature cited by the submitters: PubMed 12766769 (cited by Labcorp Genetics (formerly Invitae), Labcorp); PubMed 18671281 (cited by Labcorp Genetics (formerly Invitae), Labcorp).